The following is an entry in ClinVar:

NM_022455.5(NSD1):c.7164G>A (p.Pro2388=)

Gene: NSD1 (nuclear receptor binding SET domain protein 1; plus strand). Cytogenetic location: 5q35.3.
Variant type: single nucleotide variant.
Coding change: c.7164G>A on transcript NM_022455.5 (MANE Select); coding-DNA position 7164, G replaced by A.
Protein change: p.Pro2388=; no amino-acid change (proline 2388 retained).
Molecular consequence: synonymous variant.
Genome position (GRCh38, 1-based): chr5:177,294,532, G>A. VCF-style: chr5-177294532-G-A. GRCh37 (hg19) VCF-style: chr5-176721533-G-A.
Other names: c.6291G>A, p.Pro2097= (NM_001365684.2, NM_001409308.1, NM_172349.5); c.7164G>A, p.Pro2388= (NM_001409301.1, NM_001409302.1, NM_001409303.1); c.6744G>A, p.Pro2248= (NM_001409304.1); c.6411G>A, p.Pro2137= (NM_001409305.1); c.6402G>A, p.Pro2134= (NM_001409306.1, NM_001409307.1); c.6042G>A, p.Pro2014= (NM_001409309.1).
Identifiers: ClinVar variation 1101048 (VCV001101048.31), dbSNP rs780619128, ClinGen allele CA3578102.

ClinVar aggregate classification (germline): Likely benign. Review status: criteria provided, multiple submitters, no conflicts (2 of 4 stars). 3 submissions from 3 submitters: Likely benign (3). Last evaluated 2024-09-03.

Allele frequency attached by ClinVar (database versions not stated): gnomAD exomes 0.00001; TOPMed 0.00001; ExAC 0.00002; gnomAD 0.00002.
gnomAD v4.1: 13 of 1,614,018 alleles (0.00081%); highest among the groups gnomAD compares: South Asian, 0.0022%; no homozygotes.

Submissions (3):

Blueprint Genetics
Classification: Likely benign. Last evaluated: 2024-09-03. Review status: criteria provided, single submitter. Criteria: ACMG Guidelines, 2015. Collection method: clinical testing. Allele origin: germline.

CeGaT Center for Human Genetics Tuebingen
Classification: Likely benign. Last evaluated: 2024-01-01. Review status: criteria provided, single submitter. Criteria: CeGaT Center For Human Genetics Tuebingen Variant Classification Criteria Version 2. Collection method: clinical testing. Allele origin: germline. Affected: yes. Observed: 1 variant allele.
Comment: NSD1: BP4, BP7

Labcorp Genetics (formerly Invitae), Labcorp
Classification: Likely benign. Last evaluated: 2023-12-17. Review status: criteria provided, single submitter. Criteria: Invitae Variant Classification Sherloc (09022015). Collection method: clinical testing. Allele origin: germline.